The following is an entry in ClinVar:

ClinVar aggregate classification (germline): Likely pathogenic (1 of 4 stars; one submission).

Submission:

Labcorp Genetics (formerly Invitae), Labcorp
Classification: Likely pathogenic. Last evaluated: 2022-11-15. Review status: criteria provided, single submitter. Criteria: Invitae Variant Classification Sherloc (09022015). Collection method: clinical testing. Allele origin: germline.
Comment: In summary, the currently available evidence indicates that the variant is pathogenic, but additional data are needed to prove that conclusively. Therefore, this variant has been classified as Likely Pathogenic. This variant disrupts the p.Arg565 amino acid residue in ADGRG1. Other variant(s) that disrupt this residue have been determined to be pathogenic (PMID: 15044805, 19016831, 21349848, 24949629, 28424266). This suggests that this residue is clinically significant, and that variants that disrupt this residue are likely to be disease-causing. This variant has not been reported in the literature in individuals affected with ADGRG1-related conditions. This variant is a gross deletion of the genomic region encompassing exon(s) 12-15 of the ADGRG1 gene, which includes the termination codon. This deletion extends beyond the assayed region for this gene and therefore may encompass additional genes. While this deletion is not anticipated to lead to nonsense mediated decay, it is expected to alter mRNA translation or result in a truncated protein product.

Literature cited by the submitters: PubMed 15044805; PubMed 19016831; PubMed 21349848; PubMed 24949629; PubMed 28424266.

NC_000016.9:g.(?_57693297)_(57697504_?)del

Gene: ADGRG1 (adhesion G protein-coupled receptor G1; plus strand). Cytogenetic location: 16q21.
Variant type: Deletion.
Identifiers: ClinVar variation 1068329 (VCV001068329.7).